The following is an entry in ClinVar:

ClinVar aggregate classification (germline): Likely pathogenic (1 of 4 stars; one submission).

Conditions:
DDX41-related hematologic malignancy predisposition syndrome. Also called: DDX41-Associated Familial Myelodysplastic Syndrome and Acute Myeloid Leukemia; Myeloproliferative/lymphoproliferative neoplasms, familial (multiple types), susceptibility to. Identifiers: Orphanet 488647, MedGen C4225174, MONDO:0014809, OMIM 616871.

gnomAD v4.1: 1 of 1,613,246 alleles (0.000062%); highest among the groups gnomAD compares: Non-Finnish European, 0.000085%; no homozygotes.

Submission:

Saint-Louis Hospital, Assistance Publique Hôpitaux de Paris
Classification: Likely pathogenic for DDX41-related hematologic malignancy predisposition syndrome. Last evaluated: 2025-05-13. Review status: criteria provided, single submitter. Criteria: ACMG Guidelines, 2015. Collection method: clinical testing. Allele origin: germline. Affected: yes.
Comment: The variant DDX41(NM_016222.4):c.668G>A:p.(Gly223Asp) is absent form control population database and predicted deleterious according several computational algorithm (alphamissense score at 1, damaging according SIFT and Polyphen). It has been described in association with a second (somatic) DDX41 hit, which is a common clonal evolution in bone marrow in DDX41-myeloid malignancies predispositions (Duployez et al, 2022, PMID: 35443031)

Literature cited by the submitters: PubMed 35443031.

NM_016222.4(DDX41):c.668G>A (p.Gly223Asp)

Gene: DDX41 (DEAD-box helicase 41; minus strand). Cytogenetic location: 5q35.3.
Variant type: single nucleotide variant.
Coding change: c.668G>A on transcript NM_016222.4 (MANE Select); coding-DNA position 668, G replaced by A.
Protein change: p.Gly223Asp; replaces glycine 223 with aspartic acid.
Molecular consequence: missense variant.
Genome position (GRCh38, 1-based): chr5:177,515,046, C>T on the plus strand (G>A on the coding strand, the complement: DDX41 is on the minus strand). VCF-style: chr5-177515046-C-T. GRCh37 (hg19) VCF-style: chr5-176942047-C-T.
Other names: c.290G>A, p.Gly97Asp (NM_001321732.2, NM_001321830.2); short protein forms G223D, G97D.
Identifiers: ClinVar variation 3899313 (VCV003899313.1).